The following is an entry in ClinVar:

NC_000007.14:g.(?_76303802)_(76304173_?)del

Gene: HSPB1 (heat shock protein family B (small) member 1; plus strand). Cytogenetic location: 7q11.23.
Variant type: Deletion.
Identifiers: ClinVar variation 584236 (VCV000584236.2).

ClinVar aggregate classification (germline): Pathogenic (1 of 4 stars; one submission).

Conditions:
Charcot-Marie-Tooth disease axonal type 2F (CMT2F). Also called: Charcot-Marie-Tooth Neuropathy Type 2F; CHARCOT-MARIE-TOOTH DISEASE, NEURONAL, TYPE 2F. Identifiers: Orphanet 99940, MedGen C1847823, MONDO:0011687, OMIM 606595.

Submission:

Labcorp Genetics (formerly Invitae), Labcorp
Classification: Pathogenic for Charcot-Marie-Tooth disease type 2F. Last evaluated: 2019-11-19. Review status: criteria provided, single submitter. Criteria: Invitae Variant Classification Sherloc (09022015). Collection method: clinical testing. Allele origin: germline.
Comment: This variant is a gross deletion of the genomic region encompassing exons 2-3 of the HSPB1 gene. The 5' boundary is likely confined to intron 1. The 3' end of this event is unknown as it extends through the termination codon beyond the assayed region for this gene and may encompass additional genes. While this deletion is not anticipated to result in nonsense mediated decay, it is expected to create a truncated protein product or disrupt mRNA translation. This variant has not been reported in individuals affected with HSPB1-related disorders. This variant disrupts the region of the HSPB1 protein between p.Pro39 and p.Pro182. This region has been determined to be associated with autosomal dominant HSPB1-related conditions (PMID: 27816334, 28144995, 29381233), which suggests that variants that disrupt this region are likely to be clinically significant. For these reasons, this variant has been classified as Pathogenic.

Literature cited by the submitters: PubMed 28144995; PubMed 27816334; PubMed 29381233.